The following is an entry in ClinVar:

ClinVar aggregate classification (germline): Uncertain significance (1 of 4 stars; one submission).

Conditions:
Developmental and epileptic encephalopathy, 12 (DEE12). Identifiers: MedGen C3150988, MONDO:0013389, OMIM 613722.

Submission:

Labcorp Genetics (formerly Invitae), Labcorp
Classification: Uncertain significance for Developmental and epileptic encephalopathy, 12. Last evaluated: 2019-08-29. Review status: criteria provided, single submitter. Criteria: Invitae Variant Classification Sherloc (09022015). Collection method: clinical testing. Allele origin: germline.
Comment: Algorithms developed to predict the effect of missense changes on protein structure and function are either unavailable or do not agree on the potential impact of this missense change (SIFT: "Tolerated"; PolyPhen-2: "Possibly Damaging"; Align-GVGD: "Class C0"). This variant has not been reported in the literature in individuals with PLCB1-related conditions. This variant is not present in population databases (ExAC no frequency). This sequence change replaces valine with leucine at codon 106 of the PLCB1 protein (p.Val106Leu). The valine residue is highly conserved and there is a small physicochemical difference between valine and leucine. In summary, the available evidence is currently insufficient to determine the role of this variant in disease. Therefore, it has been classified as a Variant of Uncertain Significance.

NM_015192.4(PLCB1):c.316G>C (p.Val106Leu)

Gene: PLCB1 (phospholipase C beta 1; plus strand). Cytogenetic location: 20p12.3.
Variant type: single nucleotide variant.
Coding change: c.316G>C on transcript NM_015192.4 (MANE Select); coding-DNA position 316, G replaced by C.
Protein change: p.Val106Leu; replaces valine 106 with leucine.
Molecular consequence: missense variant.
Genome position (GRCh38, 1-based): chr20:8,628,363, G>C. VCF-style: chr20-8628363-G-C. GRCh37 (hg19) VCF-style: chr20-8609010-G-C.
Other names: c.316G>C, p.Val106Leu (NM_182734.3); short protein forms V106L.
Identifiers: ClinVar variation 963508 (VCV000963508.10), dbSNP rs1181797347, ClinGen allele CA408262041.